The following is an entry in ClinVar:

ClinVar aggregate classification (germline): Likely benign. Review status: criteria provided, multiple submitters, no conflicts (2 of 4 stars). 2 submissions from 2 submitters: Likely benign (2). Last evaluated 2025-01-20.

Conditions:
Papillary renal cell carcinoma type 1 (RCCP1). Also called: RENAL CELL CARCINOMA, PAPILLARY, 1, SOMATIC; Renal adenocarcinoma; Renal cell carcinoma 1; Renal cell carcinoma, somatic. Identifiers: Orphanet 47044, MedGen C1336839, OMIM 605074, HP:0011797.
Renal cell carcinoma. Identifiers: Orphanet 217071, MedGen C0007134, MeSH D002292, MONDO:0005086, HP:0005584.

Submissions (2):

Labcorp Genetics (formerly Invitae), Labcorp
Classification: Likely benign for Renal cell carcinoma. Last evaluated: 2025-01-20. Review status: criteria provided, single submitter. Criteria: Invitae Variant Classification Sherloc (09022015). Collection method: clinical testing. Allele origin: germline.

Myriad Genetics, Inc.
Classification: Likely benign for Papillary renal cell carcinoma type 1. Last evaluated: 2024-11-08. Review status: criteria provided, single submitter. Criteria: Myriad Autosomal Dominant, Autosomal Recessive and X-Linked Classification Criteria (2023). Collection method: clinical testing. Allele origin: unknown.
Comment: This variant is considered likely benign. This variant is intronic and is not expected to impact mRNA splicing.

NM_000245.4(MET):c.1965+7A>G

Gene: MET (MET proto-oncogene, receptor tyrosine kinase; plus strand). Cytogenetic location: 7q31.2.
Variant type: single nucleotide variant.
Coding change: c.1965+7A>G on transcript NM_000245.4 (MANE Select); 7 bases into the intron after coding-DNA position 1965, A replaced by G.
Molecular consequence: intron variant.
Genome position (GRCh38, 1-based): chr7:116,757,546, A>G. VCF-style: chr7-116757546-A-G. GRCh37 (hg19) VCF-style: chr7-116397600-A-G.
Other names: c.1965+7A>G (NM_001127500.3, NM_001324401.3); c.675+7A>G (NM_001324402.2).
Identifiers: ClinVar variation 1145346 (VCV001145346.10), dbSNP rs2116921524, ClinGen allele CA2499218667.
Genomic context (GRCh38, chr7:116,757,546, plus strand): 5'-ATAATTATTTCAAATGGCCACGGGACAACACAATACAGTACATTCTCCTATGTGGTAAGG[A>G]AGATTCTATCCTATCATGTTTGATTTTTACTTAATCTATTTAAATTATAAGATGAACAAG-3'